The following is an entry in ClinVar:

NM_001042492.3(NF1):c.1260+3A>G

Gene: NF1 (neurofibromin 1; plus strand). Cytogenetic location: 17q11.2.
Variant type: single nucleotide variant.
Coding change: c.1260+3A>G on transcript NM_001042492.3 (MANE Select); 3 bases into the intron after coding-DNA position 1260, A replaced by G.
Molecular consequence: intron variant.
Genome position (GRCh38, 1-based): chr17:31,201,488, A>G. VCF-style: chr17-31201488-A-G. GRCh37 (hg19) VCF-style: chr17-29528506-A-G.
Other names: c.1260+3A>G (NM_000267.4, NM_001128147.3).
Identifiers: ClinVar variation 1762878 (VCV001762878.4), dbSNP rs2066529461, ClinGen allele CA2580092994.

ClinVar aggregate classification (germline): Uncertain significance. Review status: criteria provided, multiple submitters, no conflicts (2 of 4 stars). 2 submissions from 2 submitters: Uncertain significance (2). Last evaluated 2025-08-14.

Conditions:
Cardiovascular phenotype. Identifiers: MedGen CN230736.
Hereditary cancer-predisposing syndrome. Also called: Neoplastic Syndromes, Hereditary; Tumor predisposition; Hereditary Cancer Syndrome; Hereditary neoplastic syndrome. Identifiers: Orphanet 140162, MedGen C0027672, MeSH D009386, MONDO:0015356.

Submissions (2):

Ambry Genetics
Classification: Uncertain significance for Cardiovascular phenotype; Hereditary cancer-predisposing syndrome. Last evaluated: 2025-08-14. Review status: criteria provided, single submitter. Criteria: Ambry Variant Classification Scheme 2023. Collection method: clinical testing. Allele origin: germline.
Comment: The c.1260+3A>G intronic variant results from an A to G substitution 3 nucleotides after coding exon 11 in the NF1 gene. This nucleotide position is highly conserved in available vertebrate species. In silico splice site analysis for this alteration is inconclusive. RNA studies have demonstrated that this alteration results in a splice defect; the clinical impact of this abnormal splicing is unknown at this time (Ambry internal data). Since supporting evidence is limited at this time, the clinical significance of this alteration remains unclear.

GeneDx
Classification: Uncertain significance. Last evaluated: 2024-11-19. Review status: criteria provided, single submitter. Criteria: GeneDx Variant Classification Process June 2021. Collection method: clinical testing. Allele origin: germline. Affected: yes.
Comment: Not observed at significant frequency in large population cohorts (gnomAD); In silico analysis indicates that this variant does not alter splicing; Has not been previously published as pathogenic or benign to our knowledge